The following is an entry in ClinVar:

NM_001384140.1(PCDH15):c.3327T>C (p.Ala1109=)

Gene: PCDH15 (protocadherin related 15; minus strand). Cytogenetic location: 10q21.1.
Variant type: single nucleotide variant.
Coding change: c.3327T>C on transcript NM_001384140.1 (MANE Select); coding-DNA position 3327, T replaced by C.
Protein change: p.Ala1109=; no amino-acid change (alanine 1109 retained).
Molecular consequence: synonymous variant.
Genome position (GRCh38, 1-based): chr10:53,938,861, A>G on the plus strand (T>C on the coding strand, the complement: PCDH15 is on the minus strand). VCF-style: chr10-53938861-A-G. GRCh37 (hg19) VCF-style: chr10-55698621-A-G.
Other names: c.3342T>C, p.Ala1114= (NM_001142763.2, NM_001142771.2); c.3327T>C, p.Ala1109= (NM_001142764.2, NM_001142766.2, NM_001142770.3 and 4 more transcripts); c.3114T>C, p.Ala1038= (NM_001142765.2); c.3216T>C, p.Ala1072= (NM_001142767.2); c.3261T>C, p.Ala1087= (NM_001142768.2, NM_001142773.2, NM_001354404.2); c.3363T>C, p.Ala1121= (NM_001142769.4); c.3348T>C, p.Ala1116= (NM_001354411.2).
Identifiers: ClinVar variation 517247 (VCV000517247.5), dbSNP rs1554871942, ClinGen allele CA469493363.
Genomic context (GRCh38, chr10:53,938,861, plus strand): 5'-GTAGTATAACTTACTTTTTGAAGGAACTCGGAGATTGGCAAGGACCACTTCCAGGGAATC[A>G]GCTTGGACTCGAAGTACATAGCTTGTCCTGGTCTCATAATCCAGAGGTCCATTCACATAG-3'
Protein context (NP_001371069.1, residues 1099-1119): TRTSYVLRVQ[Ala1109=]DSLEVVLANL

ClinVar aggregate classification (germline): Likely benign (1 of 4 stars; one submission).

Submission:

Laboratory for Molecular Medicine, Mass General Brigham Personalized Medicine
Classification: Likely benign. Last evaluated: 2017-01-24. Review status: criteria provided, single submitter. Criteria: LMM Criteria. Collection method: clinical testing. Allele origin: germline. Observed: 1 variant allele.
Comment: p.Ala1109Ala in exon 25 of PCDH15: This variant is not expected to have clinical significance because it does not alter an amino acid residue and is not located within the splice consensus sequence.